The following is an entry in ClinVar:

NM_024422.6(DSC2):c.2398G>T (p.Ala800Ser)

Gene: DSC2 (desmocollin 2; minus strand). Cytogenetic location: 18q12.1.
Variant type: single nucleotide variant.
Coding change: c.2398G>T on transcript NM_024422.6 (MANE Select); coding-DNA position 2398, G replaced by T.
Protein change: p.Ala800Ser; replaces alanine 800 with serine.
Molecular consequence: missense variant.
Genome position (GRCh38, 1-based): chr18:31,069,004, C>A on the plus strand (G>T on the coding strand, the complement: DSC2 is on the minus strand). VCF-style: chr18-31069004-C-A. GRCh37 (hg19) VCF-style: chr18-28648970-C-A.
Other names: c.2398G>T, p.Ala800Ser (NM_004949.5); short protein forms A800S.
Identifiers: ClinVar variation 180113 (VCV000180113.14), dbSNP rs565136635, ClinGen allele CA022716.

ClinVar aggregate classification (germline): Conflicting classifications of pathogenicity. Review status: criteria provided, conflicting classifications (1 of 4 stars). 4 submissions from 4 submitters: Uncertain significance (3); Likely benign (1). Last evaluated 2025-12-29.

Conditions:
Arrhythmogenic right ventricular dysplasia 11. Also called: Arrhythmogenic right ventricular dysplasia 11 with mild palmoplantar keratoderma and woolly hair; Arrhythmogenic Right Ventricular Dysplasia/Cardiomyopathy11; ARRHYTHMOGENIC RIGHT VENTRICULAR DYSPLASIA, FAMILIAL, 11. Identifiers: MedGen C1864850, MONDO:0012506, OMIM 610476.
Cardiomyopathy (CMYO). Also called: Cardiomyopathies. Identifiers: Orphanet 167848, MedGen C0878544, MONDO:0004994, HP:0001638. Inheritance: Various modes of inheritance.

Allele frequency attached by ClinVar (database versions not stated): gnomAD 0.00001 and below 0.00001; 1000 Genomes Project 30x 0.00031; gnomAD exomes 0.00002 and 0.00005; ExAC 0.00008; 1000 Genomes Project 0.00040.

Submissions (4):

Labcorp Genetics (formerly Invitae), Labcorp
Classification: Uncertain significance for Arrhythmogenic right ventricular dysplasia 11. Last evaluated: 2025-12-29. Review status: criteria provided, single submitter. Criteria: Invitae Variant Classification Sherloc (09022015). Collection method: clinical testing. Allele origin: germline.
Comment: This sequence change replaces alanine, which is neutral and non-polar, with serine, which is neutral and polar, at codon 800 of the DSC2 protein (p.Ala800Ser). This variant is present in population databases (rs565136635, gnomAD 0.04%). This variant has not been reported in the literature in individuals affected with DSC2-related conditions. ClinVar contains an entry for this variant (Variation ID: 180113). Invitae Evidence Modeling of protein sequence and biophysical properties (such as structural, functional, and spatial information, amino acid conservation, physicochemical variation, residue mobility, and thermodynamic stability) indicates that this missense variant is not expected to disrupt DSC2 protein function with a negative predictive value of 80%. In summary, the available evidence is currently insufficient to determine the role of this variant in disease. Therefore, it has been classified as a Variant of Uncertain Significance.

Color Diagnostics, LLC DBA Color Health
Classification: Likely benign for Cardiomyopathy. Last evaluated: 2020-12-22. Review status: criteria provided, single submitter. Criteria: ACMG Guidelines, 2015. Collection method: clinical testing. Allele origin: germline.

Illumina Laboratory Services, Illumina
Classification: Uncertain significance for Arrhythmogenic right ventricular dysplasia 11. Last evaluated: 2018-01-12. Review status: criteria provided, single submitter. Criteria: ICSL Variant Classification Criteria 13 December 2019. Collection method: clinical testing. Allele origin: germline.

Laboratory for Molecular Medicine, Mass General Brigham Personalized Medicine
Classification: Uncertain significance. Last evaluated: 2014-12-04. Review status: criteria provided, single submitter. Criteria: LMM Criteria. Collection method: clinical testing. Allele origin: germline. Observed: 1 variant allele.
Comment: The p.Ala800Ser variant in DSC2 has not been previously reported in individuals with cardiomyopathy or in large population studies. Alanine (Ala) at position 80 0 is not well conserved in evolution, raising the possibility that this change m ay be tolerated. Computational prediction tools also suggest that the p.Ala800Se r variant may not impact the protein, though this information is not predictive enough to rule out pathogenicity. In summary, the clinical significance of the p .Ala800Ser variant is uncertain.